The following is an entry in ClinVar:

NM_000321.3(RB1):c.1014T>A (p.Asp338Glu)

Gene: RB1 (RB transcriptional corepressor 1; plus strand). Cytogenetic location: 13q14.2.
Variant type: single nucleotide variant.
Coding change: c.1014T>A on transcript NM_000321.3 (MANE Select); coding-DNA position 1014, T replaced by A.
Protein change: p.Asp338Glu; replaces aspartic acid 338 with glutamic acid.
Molecular consequence: missense variant.
Genome position (GRCh38, 1-based): chr13:48,367,568, T>A. VCF-style: chr13-48367568-T-A. GRCh37 (hg19) VCF-style: chr13-48941704-T-A.
Other names: c.1014T>A, p.Asp338Glu (NM_001407165.1, NM_001407166.1); short protein forms D338E.
Identifiers: ClinVar variation 4151211 (VCV004151211.1).

ClinVar aggregate classification (germline): Uncertain significance (1 of 4 stars; one submission).

Conditions:
Hereditary cancer-predisposing syndrome. Also called: Neoplastic Syndromes, Hereditary; Tumor predisposition; Hereditary Cancer Syndrome; Hereditary neoplastic syndrome. Identifiers: Orphanet 140162, MedGen C0027672, MeSH D009386, MONDO:0015356.

Submission:

Ambry Genetics
Classification: Uncertain significance for Hereditary cancer-predisposing syndrome. Last evaluated: 2025-09-05. Review status: criteria provided, single submitter. Criteria: Ambry Variant Classification Scheme 2023. Collection method: clinical testing. Allele origin: germline.
Comment: The p.D338E variant (also known as c.1014T>A), located in coding exon 10 of the RB1 gene, results from a T to A substitution at nucleotide position 1014. The aspartic acid at codon 338 is replaced by glutamic acid, an amino acid with highly similar properties. This amino acid position is well conserved in available vertebrate species. In addition, this alteration is predicted to be tolerated by in silico analysis. Based on the available evidence, the clinical significance of this variant remains unclear.